The following is an entry in ClinVar:

NM_001382391.1(CSPP1):c.1651G>A (p.Ala551Thr)

Gene: CSPP1 (centrosome and spindle pole associated protein 1; plus strand). Cytogenetic location: 8q13.2.
Variant type: single nucleotide variant.
Coding change: c.1651G>A on transcript NM_001382391.1 (MANE Select); coding-DNA position 1651, G replaced by A.
Protein change: p.Ala551Thr; replaces alanine 551 with threonine.
Molecular consequence: missense variant.
Genome position (GRCh38, 1-based): chr8:67,118,775, G>A. VCF-style: chr8-67118775-G-A. GRCh37 (hg19) VCF-style: chr8-68031010-G-A.
Other names: c.754G>A, p.Ala252Thr (NM_001291339.2); c.1570G>A, p.Ala524Thr (NM_001363131.2); c.1609G>A, p.Ala537Thr (NM_001363132.2); c.1528G>A, p.Ala510Thr (NM_001363133.2); c.1717G>A, p.Ala573Thr (NM_001364869.1); c.1537G>A, p.Ala513Thr (NM_001364870.1); c.1636G>A, p.Ala546Thr (NM_024790.7); short protein forms A510T, A513T, A524T, A546T, A252T, A573T, A537T, A551T.
Identifiers: ClinVar variation 837053 (VCV000837053.6), dbSNP rs373749366, ClinGen allele CA4770613.

ClinVar aggregate classification (germline): Uncertain significance (1 of 4 stars; one submission).

Conditions:
Joubert syndrome 21 (JBTS21). Identifiers: MedGen C3810212, MONDO:0014288, OMIM 615636.

Allele frequency attached by ClinVar (database versions not stated): ExAC 0.00003; TOPMed 0.00003; gnomAD exomes 0.00004; ESP Exome Variant Server 0.00008; gnomAD 0.00002.

Submission:

Labcorp Genetics (formerly Invitae), Labcorp
Classification: Uncertain significance for Joubert syndrome 21. Last evaluated: 2022-09-26. Review status: criteria provided, single submitter. Criteria: Invitae Variant Classification Sherloc (09022015). Collection method: clinical testing. Allele origin: germline.
Comment: This sequence change replaces alanine, which is neutral and non-polar, with threonine, which is neutral and polar, at codon 546 of the CSPP1 protein (p.Ala546Thr). This variant is present in population databases (rs373749366, gnomAD 0.006%). This variant has not been reported in the literature in individuals affected with CSPP1-related conditions. ClinVar contains an entry for this variant (Variation ID: 837053). Algorithms developed to predict the effect of missense changes on protein structure and function output the following: SIFT: "Tolerated"; PolyPhen-2: "Benign"; Align-GVGD: "Class C0". The threonine amino acid residue is found in multiple mammalian species, which suggests that this missense change does not adversely affect protein function. In summary, the available evidence is currently insufficient to determine the role of this variant in disease. Therefore, it has been classified as a Variant of Uncertain Significance.